The following is an entry in ClinVar:

ClinVar aggregate classification (germline): Uncertain significance. Review status: criteria provided, multiple submitters, no conflicts (2 of 4 stars). 3 submissions from 3 submitters: Uncertain significance (3). Last evaluated 2024-12-14.

Conditions:
Cardiovascular phenotype. Identifiers: MedGen CN230736.

Allele frequency attached by ClinVar (database versions not stated): TOPMed below 0.00001; gnomAD 0.00001.
gnomAD v4.1: 1 of 1,613,728 alleles (0.000062%); highest among the groups gnomAD compares: African/African-American, 0.0013%; no homozygotes.

Submissions (3):

Ambry Genetics
Classification: Uncertain significance for Cardiovascular phenotype. Last evaluated: 2024-12-14. Review status: criteria provided, single submitter. Criteria: Ambry Variant Classification Scheme 2023. Collection method: clinical testing. Allele origin: germline.
Comment: The p.T88A variant (also known as c.262A>G), located in coding exon 2 of the TBX20 gene, results from an A to G substitution at nucleotide position 262. The threonine at codon 88 is replaced by alanine, an amino acid with similar properties. This amino acid position is conserved. In addition, this alteration is predicted to be tolerated by in silico analysis. Based on the available evidence, the clinical significance of this variant remains unclear.

Labcorp Genetics (formerly Invitae), Labcorp
Classification: Uncertain significance. Last evaluated: 2024-10-21. Review status: criteria provided, single submitter. Criteria: Invitae Variant Classification Sherloc (09022015). Collection method: clinical testing. Allele origin: germline.
Comment: This sequence change replaces threonine, which is neutral and polar, with alanine, which is neutral and non-polar, at codon 88 of the TBX20 protein (p.Thr88Ala). This variant is not present in population databases (gnomAD no frequency). This variant has not been reported in the literature in individuals affected with TBX20-related conditions. ClinVar contains an entry for this variant (Variation ID: 432984). Invitae Evidence Modeling of protein sequence and biophysical properties (such as structural, functional, and spatial information, amino acid conservation, physicochemical variation, residue mobility, and thermodynamic stability) indicates that this missense variant is not expected to disrupt TBX20 protein function with a negative predictive value of 80%. In summary, the available evidence is currently insufficient to determine the role of this variant in disease. Therefore, it has been classified as a Variant of Uncertain Significance.

GeneDx
Classification: Uncertain significance. Last evaluated: 2017-06-28. Review status: criteria provided, single submitter. Criteria: GeneDx Variant Classification (06012015). Collection method: clinical testing. Allele origin: germline. Affected: yes.
Comment: The T88A variant in the TBX20 gene has not been reported previously as a pathogenic variant, nor as a benign variant, to our knowledge. The T88A variant is not observed in large population cohorts (Lek et al., 2016; 1000 Genomes Consortium et al., 2015; Exome Variant Server). The T88A variant is a non-conservative amino acid substitution, which is likely to impact secondary protein structure as these residues differ in polarity, charge, size and/or other properties. This substitution occurs at a position that is conserved in mammals. In silico analysis is inconsistent in its predictions as to whether or not the variant is damaging to the protein structure/function. We interpret T88A as a variant of uncertain significance.

NM_001077653.2(TBX20):c.262A>G (p.Thr88Ala)

Gene: TBX20 (T-box transcription factor 20; minus strand). Cytogenetic location: 7p14.2.
Variant type: single nucleotide variant.
Coding change: c.262A>G on transcript NM_001077653.2 (MANE Select); coding-DNA position 262, A replaced by G.
Protein change: p.Thr88Ala; replaces threonine 88 with alanine.
Molecular consequence: missense variant.
Genome position (GRCh38, 1-based): chr7:35,250,069, T>C on the plus strand (A>G on the coding strand, the complement: TBX20 is on the minus strand). VCF-style: chr7-35250069-T-C. GRCh37 (hg19) VCF-style: chr7-35289681-T-C.
Other names: c.262A>G, p.Thr88Ala (LRG_755t1, NM_001166220.1); short protein forms T88A.
Identifiers: ClinVar variation 432984 (VCV000432984.5), dbSNP rs1297571991, ClinGen allele CA367265148.
Genomic context (GRCh38, chr7:35,250,069, plus strand): 5'-CCTTGGTCTCCAGGCTGCAGGCAATTTTGGCCATTTCCTCACTGGGGATGATGGGGGTGG[T>C]GGGGATCAGTGGCTCAGTGCACAGAGAGGAGGAGGACGGGCTGCTGCCACTGCCTCCACC-3'
Protein context (NP_001071121.1, residues 78-98): SSLCTEPLIP[Thr88Ala]TPIIPSEEMA